The following is an entry in ClinVar:

ClinVar aggregate classification (germline): Uncertain significance (1 of 4 stars; one submission).

Conditions:
LRRC45-related disorder. Also called: LRRC45-related condition.

gnomAD v4.1: 9 of 1,610,852 alleles (0.00056%); highest among the groups gnomAD compares: African/African-American, 0.004%; no homozygotes.

Submission:

PreventionGenetics, part of Exact Sciences
Classification: Uncertain significance for LRRC45-related condition. Last evaluated: 2025-01-29. Review status: criteria provided, single submitter. Criteria: ACMG Guidelines, 2015. Collection method: clinical testing. Allele origin: germline.
Comment: The LRRC45 c.1385G>A variant is predicted to result in the amino acid substitution p.Arg462Gln. To our knowledge, this variant has not been reported in the literature or in a large population database (gnomAD), indicating this variant is rare. At this time, the clinical significance of this variant is uncertain due to the absence of conclusive functional and genetic evidence.

NM_144999.4(LRRC45):c.1385G>A (p.Arg462Gln)

Gene: LRRC45 (leucine rich repeat containing 45; plus strand). Cytogenetic location: 17q25.3.
Variant type: single nucleotide variant.
Coding change: c.1385G>A on transcript NM_144999.4 (MANE Select); coding-DNA position 1385, G replaced by A.
Protein change: p.Arg462Gln; replaces arginine 462 with glutamine.
Molecular consequence: missense variant.
Genome position (GRCh38, 1-based): chr17:82,029,169, G>A. VCF-style: chr17-82029169-G-A. GRCh37 (hg19) VCF-style: chr17-79987045-G-A.
Other names: short protein forms R462Q.
Identifiers: ClinVar variation 5002188 (VCV005002188.1).